The following is an entry in ClinVar:

NM_000095.3(COMP):c.1362T>G (p.Ser454Arg)

Gene: COMP (cartilage oligomeric matrix protein; minus strand). Cytogenetic location: 19p13.11.
Variant type: single nucleotide variant.
Coding change: c.1362T>G on transcript NM_000095.3 (MANE Select); coding-DNA position 1362, T replaced by G.
Protein change: p.Ser454Arg; replaces serine 454 with arginine.
Molecular consequence: missense variant.
Genome position (GRCh38, 1-based): chr19:18,786,092, A>C on the plus strand (T>G on the coding strand, the complement: COMP is on the minus strand). VCF-style: chr19-18786092-A-C. GRCh37 (hg19) VCF-style: chr19-18896902-A-C.
Other names: short protein forms S454R.
Identifiers: ClinVar variation 4280640 (VCV004280640.1).

ClinVar aggregate classification (germline): Likely pathogenic (1 of 4 stars; one submission).

Conditions:
Pseudoachondroplastic spondyloepiphyseal dysplasia syndrome (PSACH). Also called: PSEUDOACHONDROPLASTIC DYSPLASIA; Pseudoachondroplasia; COMP-Related Pseudoachondroplasia. Identifiers: Orphanet 750, MedGen C0410538, MONDO:0008322, OMIM 177170.

Submission:

Clinical Biomedical Laboratory, Shriners Hospital For Children - Canada
Classification: Likely pathogenic for Pseudoachondroplastic spondyloepiphyseal dysplasia syndrome. Last evaluated: 2025-10-05. Review status: criteria provided, single submitter. Criteria: ACMG Guidelines, 2015. Collection method: clinical testing. Allele origin: germline. Affected: yes.
Comment: This variant is predicted to substitute a serine residue by an arginine residue in COMP. In the Genome Aggregation Database (gnomAD v2.1.1) this variant is not present. Computational tools (REVEL: 0763) suggest that the amino acid change is damaging to protein function. The affected nucleotide is not conserved in evolution (PhyloP100 = 0.2). The variant is located in a hotspot, as 46 pathogenic or likely pathogenic reported variants are found in a 181 bp region surrounding this variant in exon 13 of COMP without any missense benign variants. The variant has been reported in the literature in an individual diagnosed with pseudoachondroplasia (PMID 15756302).

Literature cited by the submitters: PubMed 15756302.